The following is an entry in ClinVar:

NM_001033855.3(DCLRE1C):c.590G>A (p.Ser197Asn)

Gene: DCLRE1C (DNA cross-link repair 1C; minus strand). Cytogenetic location: 10p13.
Variant type: single nucleotide variant.
Coding change: c.590G>A on transcript NM_001033855.3 (MANE Select); coding-DNA position 590, G replaced by A.
Protein change: p.Ser197Asn; replaces serine 197 with asparagine.
Molecular consequence: missense variant. On other transcripts: non-coding transcript variant (4).
Genome position (GRCh38, 1-based): chr10:14,934,468, C>T on the plus strand (G>A on the coding strand, the complement: DCLRE1C is on the minus strand). VCF-style: chr10-14934468-C-T. GRCh37 (hg19) VCF-style: chr10-14976467-C-T.
Other names: NM_001033855.3(DCLRE1C):c.590G>A; p.Ser197Asn; c.230G>A, p.Ser77Asn (NM_001033857.3, NM_001033858.3, NM_001289077.2 and 2 more transcripts); c.245G>A, p.Ser82Asn (NM_001289076.2, NM_001289078.2, NM_001350966.2 and 1 more transcripts); c.590G>A, p.Ser197Asn (NM_001350965.2); c.590G>A (NM_001033855.1); short protein forms S82N, S197N, S77N.
Identifiers: ClinVar variation 971474 (VCV000971474.8), dbSNP rs773799685, ClinGen allele CA5416772.

ClinVar aggregate classification (germline): Uncertain significance. Review status: reviewed by expert panel (3 of 4 stars). 5 submissions from 5 submitters: Uncertain significance (1). 4 of the submissions do not count toward it. Last evaluated 2024-04-01.

Conditions:
Severe combined immunodeficiency due to DCLRE1C deficiency (RS-SCID). Also called: SCID, AUTOSOMAL RECESSIVE, T CELL-NEGATIVE, B CELL-NEGATIVE, NK CELL-POSITIVE, WITH SENSITIVITY TO IONIZING RADIATION. Identifiers: Orphanet 275, MedGen C1865371, MONDO:0011225, OMIM 602450.
Athabaskan severe combined immunodeficiency (SCIDA). Also called: Severe combined immunodeficiency, athabascan-type. Identifiers: MedGen C1865370.
Inborn genetic diseases. Identifiers: MedGen C0950123, MeSH D030342.

Allele frequency attached by ClinVar (database versions not stated): TOPMed 0.00006; gnomAD exomes 0.00004 and 0.00007; ExAC 0.00003; gnomAD 0.00009.
gnomAD v4.1: 124 of 1,614,102 alleles (0.0077%); highest among the groups gnomAD compares: Middle Eastern, 0.066%; no homozygotes.

Submissions (5):

ClinGen Severe Combined Immunodeficiency Variant Curation Expert Panel, ClinGen
Classification: Uncertain significance for Severe combined immunodeficiency due to DCLRE1C deficiency. Last evaluated: 2024-04-01. Review status: reviewed by expert panel. Criteria: ClinGen SCID ACMG Specifications DCLRE1C V1.0.0. Collection method: curation. Allele origin: germline. Inheritance: Autosomal recessive inheritance.
Comment: The c.590G>A (NM_001033855.3) variant in DCLRE1C is a missense variant predicted to cause substitution of Serine by Asparagine at amino acid 197 (p.Ser197Asn). The filtering allele frequency (the upper threshold of the 95% CI of 95/1180058 alleles) of the c.590G>A variant in DCLRE1C is 0.00006723 for European (non-Finnish) chromosomes by gnomAD v4, which is lower than the SCID-VCEP threshold for BS1 (>0.00078) and BA1 (>0.00346) but higher than the threshold (<0.00003266) for PM2_Supporting (BS1 not met, BA1 not met, PM2_Supporting not met). No homozygotes have been observed in gnomAD. Another missense variant [c.589A>G (p.Ser197Gly)] in the same codon has been reported; However, this variant was classified as VUS by the ClinGen SCID VCEP (PM5 not met). To our knowledge, this variant has not been reported in the literature in individuals affected with SCID/DCLRE1C-related conditions or in functional studies. In summary, this variant meets the criteria to be classified as a variant of uncertain significance for autosomal recessive severe combined immunodeficiency due to DCLRE1C deficiency, based on the ACMG/AMP criteria applied, as specified by the ClinGen SCID VCEP (specification version 1.0): No criteria were applied.

Labcorp Genetics (formerly Invitae), Labcorp
Classification: Uncertain significance for Athabaskan severe combined immunodeficiency. Last evaluated: 2024-12-16. Review status: criteria provided, single submitter. Criteria: Invitae Variant Classification Sherloc (09022015). Collection method: clinical testing. Allele origin: germline. Not counted in ClinVar's aggregate classification.
Comment: This sequence change replaces serine, which is neutral and polar, with asparagine, which is neutral and polar, at codon 197 of the DCLRE1C protein (p.Ser197Asn). This variant is present in population databases (rs773799685, gnomAD 0.01%). This variant has not been reported in the literature in individuals affected with DCLRE1C-related conditions. ClinVar contains an entry for this variant (Variation ID: 971474). Invitae Evidence Modeling of protein sequence and biophysical properties (such as structural, functional, and spatial information, amino acid conservation, physicochemical variation, residue mobility, and thermodynamic stability) indicates that this missense variant is not expected to disrupt DCLRE1C protein function with a negative predictive value of 80%. In summary, the available evidence is currently insufficient to determine the role of this variant in disease. Therefore, it has been classified as a Variant of Uncertain Significance.

Ambry Genetics
Classification: Uncertain significance for Inborn genetic diseases. Last evaluated: 2022-08-16. Review status: criteria provided, single submitter. Criteria: Ambry Variant Classification Scheme 2023. Collection method: clinical testing. Allele origin: germline. Not counted in ClinVar's aggregate classification.

Dubai Health Genomic Medicine Center, Dubai Health
Classification: Uncertain significance for Severe combined immunodeficiency due to DCLRE1C deficiency. Last evaluated: 2021-03-22. Review status: criteria provided, single submitter. Criteria: ACMG Guidelines, 2015. Collection method: clinical testing. Allele origin: germline. Affected: yes. Not counted in ClinVar's aggregate classification.

Natera, Inc.
Classification: Uncertain significance for Athabascan severe combined immunodeficiency. Last evaluated: 2020-08-07. Review status: no assertion criteria provided. Collection method: clinical testing. Allele origin: germline. Not counted in ClinVar's aggregate classification.